The following is an entry in ClinVar:

ClinVar aggregate classification (germline): Likely benign. Review status: criteria provided, multiple submitters, no conflicts (2 of 4 stars). 2 submissions from 2 submitters: Likely benign (2). Last evaluated 2026-06-12.

Conditions:
Dyskeratosis congenita. Identifiers: Orphanet 1775, MedGen C0265965, MONDO:0015780.

Allele frequency attached by ClinVar (database versions not stated): TOPMed below 0.00001; gnomAD 0.00001; gnomAD exomes 0.00001.

Submissions (2):

Women's Health and Genetics/Laboratory Corporation of America, LabCorp
Classification: Likely benign. Last evaluated: 2026-06-12. Review status: criteria provided, single submitter. Criteria: LabCorp Variant Classification Summary - May 2015. Collection method: clinical testing. Allele origin: germline.
Comment: Variant summary: CTC1 c.198-17T>C alters a nucleotide located at a position not widely known to affect splicing. Consensus agreement among computation tools predict no significant impact on normal splicing. However, these predictions have yet to be confirmed by functional studies. The variant allele was found at a frequency of 4.9e-06 in 202786 control chromosomes. The available data on variant occurrences in the general population are insufficient to allow any conclusion about variant significance. To our knowledge, no occurrence of c.198-17T>C in individuals affected with CTC1-related conditions and no experimental evidence demonstrating its impact on protein function have been reported. ClinVar contains an entry for this variant (Variation ID: 2904601). Based on the evidence outlined above, the variant was classified as likely benign.

Labcorp Genetics (formerly Invitae), Labcorp
Classification: Likely benign for Dyskeratosis congenita. Last evaluated: 2026-01-27. Review status: criteria provided, single submitter. Criteria: Invitae Variant Classification Sherloc (09022015). Collection method: clinical testing. Allele origin: germline.

NM_025099.6(CTC1):c.198-17T>C

Gene: CTC1 (CST telomere replication complex component 1; minus strand). Cytogenetic location: 17p13.1.
Variant type: single nucleotide variant.
Coding change: c.198-17T>C on transcript NM_025099.6 (MANE Select); 17 bases into the intron before coding-DNA position 198, T replaced by C.
Molecular consequence: intron variant.
Genome position (GRCh38, 1-based): chr17:8,238,646, A>G on the plus strand (T>C on the coding strand, the complement: CTC1 is on the minus strand). VCF-style: chr17-8238646-A-G. GRCh37 (hg19) VCF-style: chr17-8141964-A-G.
Other names: c.198-17T>C (NM_001411067.1).
Identifiers: ClinVar variation 2904601 (VCV002904601.4), dbSNP rs541172201, ClinGen allele CA287539585.